The following is an entry in ClinVar:

NM_031935.3(HMCN1):c.10744G>C (p.Glu3582Gln)

Gene: HMCN1 (hemicentin 1; plus strand). Cytogenetic location: 1q31.1.
Variant type: single nucleotide variant.
Coding change: c.10744G>C on transcript NM_031935.3 (MANE Select); coding-DNA position 10744, G replaced by C.
Protein change: p.Glu3582Gln; replaces glutamic acid 3582 with glutamine.
Molecular consequence: missense variant.
Genome position (GRCh38, 1-based): chr1:186,103,642, G>C. VCF-style: chr1-186103642-G-C. GRCh37 (hg19) VCF-style: chr1-186072774-G-C.
Other names: short protein forms E3582Q.
Identifiers: ClinVar variation 3724785 (VCV003724785.2).
Genomic context (GRCh38, chr1:186,103,642, plus strand): 5'-TGGATGAAAGATGGCCGGCCCCTTCCACAGACGGATCAAGTGCAAACTCTAGGAGGAGGA[G>C]AGGTTCTTCGAATTTCTACTGCTCAGGTAAGTGTCAAAGTTCATAGAATTATTTTAGGTT-3'
Protein context (NP_114141.2, residues 3572-3592): TDQVQTLGGG[Glu3582Gln]VLRISTAQVE

ClinVar aggregate classification (germline): Uncertain significance (1 of 4 stars; one submission).

Submission:

Labcorp Genetics (formerly Invitae), Labcorp
Classification: Uncertain significance. Last evaluated: 2025-01-06. Review status: criteria provided, single submitter. Criteria: Invitae Variant Classification Sherloc (09022015). Collection method: clinical testing. Allele origin: germline.
Comment: This sequence change replaces glutamic acid, which is acidic and polar, with glutamine, which is neutral and polar, at codon 3582 of the HMCN1 protein (p.Glu3582Gln). This variant is not present in population databases (gnomAD no frequency). This variant has not been reported in the literature in individuals affected with HMCN1-related conditions. An algorithm developed to predict the effect of missense changes on protein structure and function (PolyPhen-2) suggests that this variant is likely to be disruptive. In summary, the available evidence is currently insufficient to determine the role of this variant in disease. Therefore, it has been classified as a Variant of Uncertain Significance.